The following is an entry in ClinVar:

ClinVar aggregate classification (germline): Conflicting classifications of pathogenicity. Review status: criteria provided, conflicting classifications (1 of 4 stars). 5 submissions from 5 submitters: Uncertain significance (3); Likely benign (1). 1 of the submissions does not count toward it. Last evaluated 2024-10-16.

Conditions:
Hereditary cancer-predisposing syndrome. Also called: Hereditary Cancer Syndrome; Neoplastic Syndromes, Hereditary; Hereditary neoplastic syndrome; Tumor predisposition. Identifiers: Orphanet 140162, MedGen C0027672, MeSH D009386, MONDO:0015356.
Hereditary breast ovarian cancer syndrome. Also called: Breast and ovarian cancer; Hereditary breast and/or ovarian cancer syndrome; Hereditary breast and ovarian cancer; Hereditary breast and ovarian cancer syndrome; Hereditary breast and ovarian cancer syndrome (HBOC); BRCA1- and BRCA2-Associated Hereditary Breast and Ovarian Cancer. Identifiers: Orphanet 145, MedGen C0677776, MeSH D061325, MONDO:0003582. Disease mechanism: loss of function.
Breast-ovarian cancer, familial, susceptibility to, 2 (BROVCA2). Also called: BRCA2 Hereditary Breast and Ovarian Cancer. Identifiers: Orphanet 145, MedGen C2675520, MONDO:0012933, OMIM 612555. Disease mechanism: loss of function.

Submissions (5):

Labcorp Genetics (formerly Invitae), Labcorp
Classification: Uncertain significance for Hereditary breast ovarian cancer syndrome. Last evaluated: 2024-10-16. Review status: criteria provided, single submitter. Criteria: Invitae Variant Classification Sherloc (09022015). Collection method: clinical testing. Allele origin: germline.
Comment: This sequence change replaces glutamic acid, which is acidic and polar, with lysine, which is basic and polar, at codon 696 of the BRCA2 protein (p.Glu696Lys). This variant is not present in population databases (gnomAD no frequency). This variant has not been reported in the literature in individuals affected with BRCA2-related conditions. ClinVar contains an entry for this variant (Variation ID: 96775). Invitae Evidence Modeling of protein sequence and biophysical properties (such as structural, functional, and spatial information, amino acid conservation, physicochemical variation, residue mobility, and thermodynamic stability) indicates that this missense variant is not expected to disrupt BRCA2 protein function with a negative predictive value of 95%. In summary, the available evidence is currently insufficient to determine the role of this variant in disease. Therefore, it has been classified as a Variant of Uncertain Significance.

Ambry Genetics
Classification: Uncertain significance for Hereditary cancer-predisposing syndrome. Last evaluated: 2024-06-05. Review status: criteria provided, single submitter. Criteria: Ambry Variant Classification Scheme 2023. Collection method: clinical testing. Allele origin: germline.
Comment: The p.E696K variant (also known as c.2086G>A), located in coding exon 10 of the BRCA2 gene, results from a G to A substitution at nucleotide position 2086. The glutamic acid at codon 696 is replaced by lysine, an amino acid with similar properties. This amino acid position is well conserved in available vertebrate species. In addition, the in silico prediction for this alteration is inconclusive. Based on the available evidence, the clinical significance of this variant remains unclear.

University of Washington Department of Laboratory Medicine, University of Washington
Classification: Likely benign for Hereditary cancer-predisposing syndrome. Last evaluated: 2023-03-23. Review status: criteria provided, single submitter. Criteria: Dines et al. (Genet Med. 2020). Collection method: curation. Allele origin: germline.
Comment: Missense variant in a coldspot region where missense variants are very unlikely to be pathogenic (PMID:31911673).

BRCA2 exon 11 coldspot. Reclassification based on statistical prior probability.

Color Diagnostics, LLC DBA Color Health
Classification: Uncertain significance for Hereditary cancer-predisposing syndrome. Last evaluated: 2020-03-17. Review status: criteria provided, single submitter. Criteria: ACMG Guidelines, 2015. Collection method: clinical testing. Allele origin: germline.
Comment: This missense variant replaces glutamic acid with lysine at codon 696 of the BRCA2 protein. Computational prediction suggests that this variant may not impact protein structure and function (internally defined REVEL score threshold <= 0.5, PMID: 27666373). Splice site prediction tools suggest that this variant may not impact RNA splicing. To our knowledge, functional studies have not been reported for this variant. This variant has not been reported in individuals affected with hereditary cancer in the literature. This variant has not been identified in the general population by the Genome Aggregation Database (gnomAD). The available evidence is insufficient to determine the role of this variant in disease conclusively. Therefore, this variant is classified as a Variant of Uncertain Significance.

Sharing Clinical Reports Project (SCRP)
Classification: Uncertain significance for Breast-ovarian cancer, familial 2. Last evaluated: 2012-05-01. Review status: no assertion criteria provided. Collection method: clinical testing. Allele origin: germline. Not counted in ClinVar's aggregate classification.

NM_000059.4(BRCA2):c.2086G>A (p.Glu696Lys)

Gene: BRCA2 (BRCA2 DNA repair associated; plus strand). Cytogenetic location: 13q13.1.
Variant type: single nucleotide variant.
Coding change: c.2086G>A on transcript NM_000059.4 (MANE Select); coding-DNA position 2086, G replaced by A.
Protein change: p.Glu696Lys; replaces glutamic acid 696 with lysine.
Molecular consequence: missense variant.
Genome position (GRCh38, 1-based): chr13:32,336,441, G>A. VCF-style: chr13-32336441-G-A. GRCh37 (hg19) VCF-style: chr13-32910578-G-A.
Other names: E696K; 2314G>A.
Identifiers: ClinVar variation 96775 (VCV000096775.19), dbSNP rs431825291, ClinGen allele CA014291.